The following is an entry in ClinVar:

ClinVar aggregate classification (germline): Benign (0 of 4 stars; one submission).

Conditions:
MYO16-related disorder. Also called: MYO16-related condition.

Allele frequency attached by ClinVar (database versions not stated): 1000 Genomes Project 0.09185; TOPMed 0.09223; 1000 Genomes Project 30x 0.09307; ESP Exome Variant Server 0.09605; gnomAD 0.10153; ExAC 0.12429; gnomAD exomes 0.13298.
gnomAD v4.1: 209,275 of 1,612,908 alleles (13%); highest among the groups gnomAD compares: Non-Finnish European, 14%; 14,486 homozygotes.

Submission:

PreventionGenetics, part of Exact Sciences
Classification: Benign for MYO16-related condition. Last evaluated: 2019-05-15. Review status: no assertion criteria provided. Collection method: clinical testing. Allele origin: germline.
Comment: This variant is classified as benign based on ACMG/AMP sequence variant interpretation guidelines (Richards et al. 2015 PMID: 25741868, with internal and published modifications).

NM_001198950.3(MYO16):c.3219T>C (p.Asp1073=)

Gene: MYO16 (myosin XVI; plus strand). Cytogenetic location: 13q33.3.
Variant type: single nucleotide variant.
Coding change: c.3219T>C on transcript NM_001198950.3 (MANE Select); coding-DNA position 3219, T replaced by C.
Protein change: p.Asp1073=; no amino-acid change (aspartic acid 1073 retained).
Molecular consequence: synonymous variant.
Genome position (GRCh38, 1-based): chr13:109,055,479, T>C. VCF-style: chr13-109055479-T-C. GRCh37 (hg19) VCF-style: chr13-109707827-T-C.
Other names: c.3153T>C, p.Asp1051= (NM_015011.3).
Identifiers: ClinVar variation 3060354 (VCV003060354.2), dbSNP rs9521141, ClinGen allele CA7045320.